The following is an entry in ClinVar:

ClinVar aggregate classification (germline): Uncertain significance (1 of 4 stars; one submission).

Allele frequency attached by ClinVar (database versions not stated): TOPMed 0.00001; gnomAD exomes 0.00002.
gnomAD v4.1: 9 of 1,614,038 alleles (0.00056%); highest among the groups gnomAD compares: East Asian, 0.02%; no homozygotes.

Submission:

Labcorp Genetics (formerly Invitae), Labcorp
Classification: Uncertain significance. Last evaluated: 2021-12-24. Review status: criteria provided, single submitter. Criteria: Invitae Variant Classification Sherloc (09022015). Collection method: clinical testing. Allele origin: germline.
Comment: In summary, the available evidence is currently insufficient to determine the role of this variant in disease. Therefore, it has been classified as a Variant of Uncertain Significance. Algorithms developed to predict the effect of missense changes on protein structure and function are either unavailable or do not agree on the potential impact of this missense change (SIFT: "Tolerated"; PolyPhen-2: "Possibly Damaging"; Align-GVGD: "Class C0"). This variant has not been reported in the literature in individuals affected with LAMC3-related conditions. This variant is present in population databases (no rsID available, gnomAD 0.01%). This sequence change replaces tyrosine, which is neutral and polar, with phenylalanine, which is neutral and non-polar, at codon 128 of the LAMC3 protein (p.Tyr128Phe).

NM_006059.4(LAMC3):c.383A>T (p.Tyr128Phe)

Gene: LAMC3 (laminin subunit gamma 3; plus strand). Cytogenetic location: 9q34.12.
Variant type: single nucleotide variant.
Coding change: c.383A>T on transcript NM_006059.4 (MANE Select); coding-DNA position 383, A replaced by T.
Protein change: p.Tyr128Phe; replaces tyrosine 128 with phenylalanine.
Molecular consequence: missense variant.
Genome position (GRCh38, 1-based): chr9:131,026,294, A>T. VCF-style: chr9-131026294-A-T. GRCh37 (hg19) VCF-style: chr9-133901681-A-T.
Other names: short protein forms Y128F.
Identifiers: ClinVar variation 2056943 (VCV002056943.4), dbSNP rs1432997412, ClinGen allele CA375252135.